The following is an entry in ClinVar:

ClinVar aggregate classification (germline): Pathogenic (1 of 4 stars; one submission).

Conditions:
Alpha-N-acetylgalactosaminidase deficiency type 1. Also called: SCHINDLER DISEASE, TYPE I; ALPHA-N-ACETYLGALACTOSAMINIDASE DEFICIENCY, TYPE I; NAGA DEFICIENCY, TYPE I; NEUROAXONAL DYSTROPHY, SCHINDLER TYPE. Identifiers: Orphanet 3137, Orphanet 79279, Orphanet 79281, MedGen C1836544, MONDO:0012221, OMIM 609241.

Submission:

Labcorp Genetics (formerly Invitae), Labcorp
Classification: Pathogenic for Alpha-N-acetylgalactosaminidase deficiency type 1. Last evaluated: 2024-01-15. Review status: criteria provided, single submitter. Criteria: Invitae Variant Classification Sherloc (09022015). Collection method: clinical testing. Allele origin: unknown.
Comment: A gross deletion of the genomic region encompassing the full coding sequence of the NAGA gene has been identified. Loss-of-function variants in NAGA are known to be pathogenic (PMID: 8782044, 11251574). The boundaries of this event are unknown as they extend beyond the assayed region for this gene and therefore may encompass additional genes. This variant has not been reported in the literature in individuals affected with NAGA-related conditions. For these reasons, this variant has been classified as Pathogenic.

Literature cited by the submitters: PubMed 8782044; PubMed 11251574.

NC_000022.10:g.(?_42456283)_(42466301_?)del

Gene: NAGA (alpha-N-acetylgalactosaminidase; minus strand). Cytogenetic location: 22q13.2.
Variant type: Deletion.
Identifiers: ClinVar variation 3247580 (VCV003247580.1).